The following is an entry in ClinVar:

ClinVar aggregate classification (germline): Uncertain significance (1 of 4 stars; one submission).

Conditions:
Developmental and epileptic encephalopathy, 53. Also called: Epileptic encephalopathy, early infantile, 53. Identifiers: MedGen C4479313, MONDO:0033362, OMIM 617389.
Early-onset Parkinson disease 20. Also called: PARKINSON DISEASE 20, AUTOSOMAL RECESSIVE EARLY-ONSET. Identifiers: Orphanet 391411, MedGen C3809824, MONDO:0014233, OMIM 615530.

Allele frequency attached by ClinVar (database versions not stated): gnomAD exomes 0.00001.
gnomAD v4.1: 9 of 1,601,136 alleles (0.00056%); highest among the groups gnomAD compares: Non-Finnish European, 0.00077%; no homozygotes.

Submission:

Labcorp Genetics (formerly Invitae), Labcorp
Classification: Uncertain significance for Developmental and epileptic encephalopathy, 53; Early-onset Parkinson disease 20. Last evaluated: 2020-05-22. Review status: criteria provided, single submitter. Criteria: Invitae Variant Classification Sherloc (09022015). Collection method: clinical testing. Allele origin: germline.
Comment: This variant is not present in population databases (ExAC no frequency). In summary, the available evidence is currently insufficient to determine the role of this variant in disease. Therefore, it has been classified as a Variant of Uncertain Significance. Algorithms developed to predict the effect of missense changes on protein structure and function (SIFT, PolyPhen-2, Align-GVGD) all suggest that this variant is likely to be tolerated, but these predictions have not been confirmed by published functional studies and their clinical significance is uncertain. This variant has not been reported in the literature in individuals with SYNJ1-related conditions. This sequence change replaces histidine with asparagine at codon 357 of the SYNJ1 protein (p.His357Asn). The histidine residue is moderately conserved and there is a small physicochemical difference between histidine and asparagine.

NM_203446.3(SYNJ1):c.952C>A (p.His318Asn)

Gene: SYNJ1 (synaptojanin 1; minus strand). Cytogenetic location: 21q22.11.
Variant type: single nucleotide variant.
Coding change: c.952C>A on transcript NM_203446.3 (MANE Select); coding-DNA position 952, C replaced by A.
Protein change: p.His318Asn; replaces histidine 318 with asparagine.
Molecular consequence: missense variant.
Genome position (GRCh38, 1-based): chr21:32,685,914, G>T on the plus strand (C>A on the coding strand, the complement: SYNJ1 is on the minus strand). VCF-style: chr21-32685914-G-T. GRCh37 (hg19) VCF-style: chr21-34058224-G-T.
Other names: c.952C>A, p.His318Asn (NM_001160302.2, NM_001160306.2); c.1069C>A, p.His357Asn (NM_003895.4); short protein forms H357N, H318N.
Identifiers: ClinVar variation 1046811 (VCV001046811.9), dbSNP rs2041822657, ClinGen allele CA410093412.